The following is an entry in ClinVar:

ClinVar aggregate classification (germline): Pathogenic (1 of 4 stars; one submission).

Submission:

Labcorp Genetics (formerly Invitae), Labcorp
Classification: Pathogenic. Last evaluated: 2023-08-16. Review status: criteria provided, single submitter. Criteria: Invitae Variant Classification Sherloc (09022015). Collection method: clinical testing. Allele origin: unknown.
Comment: This variant is a gross deletion of the genomic region encompassing exon(s) 4-10 of the ABCA3 gene, which includes the initiator codon. This deletion extends beyond the assayed region for this gene and therefore may encompass additional genes. It is expected to result in an absent or disrupted protein product. Loss-of-function variants in ABCA3 are known to be pathogenic (PMID: 27516224). This variant has not been reported in the literature in individuals affected with ABCA3-related conditions. For these reasons, this variant has been classified as Pathogenic.

Literature cited by the submitters: PubMed 27516224.

NC_000016.9:g.(?_2367264)_(2376467_?)del

Gene: ABCA3 (ATP binding cassette subfamily A member 3; minus strand). Cytogenetic location: 16p13.3.
Variant type: Deletion.
Identifiers: ClinVar variation 3243609 (VCV003243609.1).